The following is an entry in ClinVar:

ClinVar aggregate classification (germline): Uncertain significance. Review status: criteria provided, multiple submitters, no conflicts (2 of 4 stars). 2 submissions from 2 submitters: Uncertain significance (2). Last evaluated 2025-08-18.

Conditions:
Werner syndrome (WRN). Identifiers: Orphanet 902, MedGen C0043119, MONDO:0010196, OMIM 277700.

Allele frequency attached by ClinVar (database versions not stated): TOPMed 0.00002; gnomAD 0.00003.
gnomAD v4.1: 13 of 1,613,604 alleles (0.00081%); highest among the groups gnomAD compares: African/African-American, 0.008%; no homozygotes.

Submissions (2):

Labcorp Genetics (formerly Invitae), Labcorp
Classification: Uncertain significance for Werner syndrome. Last evaluated: 2025-08-18. Review status: criteria provided, single submitter. Criteria: Invitae Variant Classification Sherloc (09022015). Collection method: clinical testing. Allele origin: germline.
Comment: This sequence change replaces alanine, which is neutral and non-polar, with valine, which is neutral and non-polar, at codon 693 of the WRN protein (p.Ala693Val). This variant is present in population databases (rs760090174, gnomAD 0.01%). This variant has not been reported in the literature in individuals affected with WRN-related conditions. ClinVar contains an entry for this variant (Variation ID: 852285). An algorithm developed to predict the effect of missense changes on protein structure and function outputs the following: PolyPhen-2: "Benign". The valine amino acid residue is found in multiple mammalian species, which suggests that this missense change does not adversely affect protein function. In summary, the available evidence is currently insufficient to determine the role of this variant in disease. Therefore, it has been classified as a Variant of Uncertain Significance.

GeneDx
Classification: Uncertain significance. Last evaluated: 2025-06-16. Review status: criteria provided, single submitter. Criteria: GeneDx Variant Classification Process June 2021. Collection method: clinical testing. Allele origin: germline. Affected: yes.
Comment: In silico analysis suggests that this missense variant does not alter protein structure/function; Observed with p.(V1155A) in an individual with primary ovarian insufficiency (PMID: 36099812); This variant is associated with the following publications: (PMID: 36099812)

NM_000553.6(WRN):c.2078C>T (p.Ala693Val)

Gene: WRN (WRN RecQ like helicase; plus strand). Cytogenetic location: 8p12.
Variant type: single nucleotide variant.
Coding change: c.2078C>T on transcript NM_000553.6 (MANE Select); coding-DNA position 2078, C replaced by T.
Protein change: p.Ala693Val; replaces alanine 693 with valine.
Molecular consequence: missense variant.
Genome position (GRCh38, 1-based): chr8:31,100,945, C>T. VCF-style: chr8-31100945-C-T. GRCh37 (hg19) VCF-style: chr8-30958461-C-T.
Other names: short protein forms A693V.
Identifiers: ClinVar variation 852285 (VCV000852285.7), dbSNP rs760090174, ClinGen allele CA4704610.